The following is an entry in ClinVar:

ClinVar aggregate classification (germline): Likely benign. Review status: criteria provided, multiple submitters, no conflicts (2 of 4 stars). 2 submissions from 2 submitters: Likely benign (2). Last evaluated 2025-05-27.

gnomAD v4.1: 168 of 1,546,400 alleles (0.011%); highest among the groups gnomAD compares: Non-Finnish European, 0.014%; no homozygotes.

Submissions (2):

Mayo Clinic Laboratories, Mayo Clinic
Classification: Likely benign. Last evaluated: 2025-05-27. Review status: criteria provided, single submitter. Criteria: ACMG Guidelines, 2015. Collection method: clinical testing. Allele origin: germline. Observed: 2 variant alleles.
Comment: BP4, BP7

Blueprint Genetics
Classification: Likely benign. Last evaluated: 2023-10-06. Review status: criteria provided, single submitter. Criteria: ACMG Guidelines, 2015. Collection method: clinical testing. Allele origin: germline.

NM_001009944.3(PKD1):c.7011C>A (p.Thr2337=)

Gene: PKD1 (polycystin 1, transient receptor potential channel interacting; minus strand). Cytogenetic location: 16p13.3.
Variant type: single nucleotide variant.
Coding change: c.7011C>A on transcript NM_001009944.3 (MANE Select); coding-DNA position 7011, C replaced by A.
Protein change: p.Thr2337=; no amino-acid change (threonine 2337 retained).
Molecular consequence: synonymous variant.
Genome position (GRCh38, 1-based): chr16:2,107,937, G>T on the plus strand (C>A on the coding strand, the complement: PKD1 is on the minus strand). VCF-style: chr16-2107937-G-T. GRCh37 (hg19) VCF-style: chr16-2157938-G-T.
Other names: p.Thr2337=; c.7011C>A, p.Thr2337= (NM_000296.4).
Identifiers: ClinVar variation 4684052 (VCV004684052.2).
Genomic context (GRCh38, chr16:2,107,937, plus strand): 5'-ACCCACCGTCTGGTTGGTGGCCTCCTCCTTGCGGCCGGCCTTCCACACGGTCAGGCTGAA[G>T]GTGTACTCCACGCCAGCCGCCAGCCGCTCCCGTGGAATGGTGACCGTGCTGCTCCCGCGG-3'
Protein context (NP_001009944.3, residues 2327-2347): RERLAAGVEY[Thr2337=]FSLTVWKAGR